The following is an entry in ClinVar:

NM_000277.3(PAH):c.969A>G (p.Thr323=)

Gene: PAH (phenylalanine hydroxylase; minus strand). Cytogenetic location: 12q23.2.
Variant type: single nucleotide variant.
Coding change: c.969A>G on transcript NM_000277.3 (MANE Select); coding-DNA position 969, A replaced by G.
Protein change: p.Thr323=; no amino-acid change (threonine 323 retained).
Molecular consequence: synonymous variant.
Genome position (GRCh38, 1-based): chr12:102,846,895, T>C on the plus strand (A>G on the coding strand, the complement: PAH is on the minus strand). VCF-style: chr12-102846895-T-C. GRCh37 (hg19) VCF-style: chr12-103240673-T-C.
Other names: c.969A>G, p.Thr323= (NM_001354304.2).
Identifiers: ClinVar variation 102917 (VCV000102917.3), dbSNP rs199475637, ClinGen allele CA229881.

ClinVar aggregate classification (germline): Uncertain significance. Review status: reviewed by expert panel (3 of 4 stars). 3 submissions from 3 submitters: Uncertain significance (1). 2 of the submissions do not count toward it. Last evaluated 2021-02-13.

Conditions:
Phenylketonuria (PKU). Also called: Phenylketonuria (PKU); FOLLING DISEASE; OLIGOPHRENIA PHENYLPYRUVICA; Phenylketonurias. Identifiers: Orphanet 716, MedGen C0031485, MONDO:0009861, OMIM 261600. Disease mechanism: loss of function.

Allele frequency attached by ClinVar (database versions not stated): gnomAD exomes below 0.00001.
gnomAD v4.1: 2 of 1,613,166 alleles (0.00012%); highest among the groups gnomAD compares: Non-Finnish European, 0.00017%; no homozygotes.

Submissions (3):

ClinGen PAH Variant Curation Expert Panel
Classification: Uncertain significance for Phenylketonuria. Last evaluated: 2021-02-13. Review status: reviewed by expert panel. Criteria: ClinGen PAH ACMG Specifications v1. Collection method: curation. Allele origin: germline. Inheritance: Autosomal recessive inheritance.
Comment: The c.969A>G (p.Thr323=) variant in PAH has been found in a patient with PAH deficiency in cis with pathogenic variant IVS2â€“13Tâ†’G (PMID: 10394930). This variant has an extremely low frequency in gnomAD (MAF=0.00001). Splicing predictions are conflicting (HSF/MaxENT: probably no impact; TRAP 0.831: probably damaging). A functional study shows no significant effect on protein activity as compared to wild type (Relative PAH activity 114 +/-18, PMID: 18590700). In summary, this variant meets criteria to be classified as uncertain significance for PAH. PAH-specific ACMG/AMP criteria applied: PM2, BS3_supporting.

Counsyl
Classification: Uncertain significance for Phenylketonuria. Last evaluated: 2018-01-16. Review status: no assertion criteria provided. Collection method: clinical testing. Allele origin: unknown. Not counted in ClinVar's aggregate classification.

DeBelle Laboratory for Biochemical Genetics, MUHC/MCH RESEARCH INSTITUTE
No classification provided. Review status: no classification provided. Collection method: not provided. Allele origin: not provided. Not counted in ClinVar's aggregate classification.

Literature cited by the submitters: PubMed 18590700 (cited by ClinGen PAH Variant Curation Expert Panel and Counsyl); PubMed 25525159 (cited by Counsyl); PubMed 10394930 (cited by Counsyl).